The following is an entry in ClinVar:

ClinVar aggregate classification (germline): Uncertain significance. Review status: criteria provided, multiple submitters, no conflicts (2 of 4 stars). 2 submissions from 2 submitters: Uncertain significance (2). Last evaluated 2024-10-23.

Conditions:
RYR1-related disorder. Also called: RYR1-related condition; RYR1-related disorders. Identifiers: MedGen CN239331.

Submissions (2):

Revvity Omics, Revvity
Classification: Uncertain significance. Last evaluated: 2024-10-23. Review status: criteria provided, single submitter. Criteria: ACMG Guidelines, 2015. Collection method: clinical testing. Allele origin: germline.

Labcorp Genetics (formerly Invitae), Labcorp
Classification: Uncertain significance for RYR1-related disorder. Last evaluated: 2024-02-23. Review status: criteria provided, single submitter. Criteria: Invitae Variant Classification Sherloc (09022015). Collection method: clinical testing. Allele origin: germline.
Comment: This sequence change replaces serine, which is neutral and polar, with arginine, which is basic and polar, at codon 2089 of the RYR1 protein (p.Ser2089Arg). This variant is not present in population databases (gnomAD no frequency). This variant has not been reported in the literature in individuals affected with RYR1-related conditions. ClinVar contains an entry for this variant (Variation ID: 1046830). Advanced modeling of protein sequence and biophysical properties (such as structural, functional, and spatial information, amino acid conservation, physicochemical variation, residue mobility, and thermodynamic stability) performed at Invitae indicates that this missense variant is not expected to disrupt RYR1 protein function with a negative predictive value of 95%. In summary, the available evidence is currently insufficient to determine the role of this variant in disease. Therefore, it has been classified as a Variant of Uncertain Significance.

NM_000540.3(RYR1):c.6267C>G (p.Ser2089Arg)

Gene: RYR1 (ryanodine receptor 1; plus strand). Cytogenetic location: 19q13.2.
Variant type: single nucleotide variant.
Coding change: c.6267C>G on transcript NM_000540.3 (MANE Select); coding-DNA position 6267, C replaced by G.
Protein change: p.Ser2089Arg; replaces serine 2089 with arginine.
Molecular consequence: missense variant.
Genome position (GRCh38, 1-based): chr19:38,492,629, C>G. VCF-style: chr19-38492629-C-G. GRCh37 (hg19) VCF-style: chr19-38983269-C-G.
Other names: c.6267C>G, p.Ser2089Arg (NM_001042723.2); short protein forms S2089R.
Identifiers: ClinVar variation 1046830 (VCV001046830.9), dbSNP rs768618241, ClinGen allele CA405662665.